The following is an entry in ClinVar:

NM_000051.4(ATM):c.225G>A (p.Leu75=)

Gene: ATM (ATM serine/threonine kinase; plus strand). Cytogenetic location: 11q22.3.
Variant type: single nucleotide variant.
Coding change: c.225G>A on transcript NM_000051.4 (MANE Select); coding-DNA position 225, G replaced by A.
Protein change: p.Leu75=; no amino-acid change (leucine 75 retained).
Molecular consequence: synonymous variant.
Genome position (GRCh38, 1-based): chr11:108,229,217, G>A. VCF-style: chr11-108229217-G-A. GRCh37 (hg19) VCF-style: chr11-108099944-G-A.
Other names: c.225G>A, p.Leu75= (NM_001351834.2, NM_001351835.2, NM_001351836.2).
Identifiers: ClinVar variation 414601 (VCV000414601.23), dbSNP rs1060504306, ClinGen allele CA16613227.
Genomic context (GRCh38, chr11:108,229,217, plus strand): 5'-TTGCATTTTGTTTTCTTGAAGATTTTTACAGAAATATATTCAGAAAGAAACAGAATGTCT[G>A]AGAATAGCAAAACCAAATGTATCAGCCTCAACACAAGCCTCCAGGCAGAAAAAGATGCAG-3'
Protein context (NP_000042.3, residues 65-85): QKYIQKETEC[Leu75=]RIAKPNVSAS

ClinVar aggregate classification (germline): Benign/Likely benign. Review status: criteria provided, multiple submitters, no conflicts (2 of 4 stars). 7 submissions from 7 submitters: Benign (1); Likely benign (5). 1 of the submissions does not count toward it. Last evaluated 2025-03-07.

Conditions:
ATM-related disorder. Also called: ATM-related disorders; ATM-related condition.
Hereditary cancer-predisposing syndrome. Also called: Tumor predisposition; Neoplastic Syndromes, Hereditary; Hereditary Cancer Syndrome; Hereditary neoplastic syndrome. Identifiers: Orphanet 140162, MedGen C0027672, MeSH D009386, MONDO:0015356.
Ataxia-telangiectasia syndrome (AT). Also called: Ataxia-telangiectasia; Cerebello-oculocutaneous telangiectasia; Immunodeficiency with ataxia telangiectasia; ATAXIA-TELANGIECTASIA, COMPLEMENTATION GROUP A; ATAXIA-TELANGIECTASIA, FRESNO VARIANT; Ataxia-telangiectasia, complementation group D. Identifiers: Orphanet 100, MedGen C0004135, MONDO:0008840, OMIM 208900.
Familial cancer of breast. Also called: Hereditary breast cancer; BREAST CANCER, FAMILIAL; hereditary breast carcinoma. Identifiers: Orphanet 227535, MedGen C0346153, MONDO:0016419, OMIM 114480. Disease mechanism: loss of function.

Allele frequency attached by ClinVar (database versions not stated): gnomAD exomes below 0.00001.
gnomAD v4.1: 2 of 1,613,470 alleles (0.00012%); highest among the groups gnomAD compares: Non-Finnish European, 0.00017%; no homozygotes.

Submissions (7):

Labcorp Genetics (formerly Invitae), Labcorp
Classification: Likely benign for Ataxia-telangiectasia syndrome. Last evaluated: 2025-03-07. Review status: criteria provided, single submitter. Criteria: Invitae Variant Classification Sherloc (09022015). Collection method: clinical testing. Allele origin: germline.

Myriad Genetics, Inc.
Classification: Benign for Familial cancer of breast. Last evaluated: 2024-04-18. Review status: criteria provided, single submitter. Criteria: Myriad Autosomal Dominant, Autosomal Recessive and X-Linked Classification Criteria (2023). Collection method: clinical testing. Allele origin: unknown.
Comment: This variant is considered benign. This variant is a silent/synonymous amino acid change and it is not expected to impact splicing.

Sema4
Classification: Likely benign for Hereditary cancer-predisposing syndrome. Last evaluated: 2022-03-09. Review status: criteria provided, single submitter. Criteria: Sema4 Curation Guidelines. Collection method: curation. Allele origin: germline.

GeneDx
Classification: Likely benign. Last evaluated: 2019-03-19. Review status: criteria provided, single submitter. Criteria: GeneDx Variant Classification Process June 2021. Collection method: clinical testing. Allele origin: germline. Affected: yes.
Comment: This variant is associated with the following publications: (PMID: 28779002)

Color Diagnostics, LLC DBA Color Health
Classification: Likely benign for Hereditary cancer-predisposing syndrome. Last evaluated: 2017-10-02. Review status: criteria provided, single submitter. Criteria: ACMG Guidelines, 2015. Collection method: clinical testing. Allele origin: germline.

Ambry Genetics
Classification: Likely benign for Hereditary cancer-predisposing syndrome. Last evaluated: 2017-09-30. Review status: criteria provided, single submitter. Criteria: Ambry Variant Classification Scheme 2023. Collection method: clinical testing. Allele origin: germline.

PreventionGenetics, part of Exact Sciences
Classification: Likely benign for ATM-related condition. Last evaluated: 2023-05-02. Review status: no assertion criteria provided. Collection method: clinical testing. Allele origin: germline. Not counted in ClinVar's aggregate classification.
Comment: This variant is classified as likely benign based on ACMG/AMP sequence variant interpretation guidelines (Richards et al. 2015 PMID: 25741868, with internal and published modifications).

Literature cited by the submitters: PubMed 28779002 (cited by Sema4).